The following is an entry in ClinVar:

ClinVar aggregate classification (germline): Uncertain significance (1 of 4 stars; one submission).

Conditions:
Hao-Fountain syndrome due to USP7 mutation. Also called: USP7-Related Hao Fountain Syndrome. Identifiers: Orphanet 643538, MedGen C5816734, MONDO:0958071, OMIM 616863.

Submission:

3billion
Classification: Uncertain significance for Hao-Fountain syndrome due to USP7 mutation. Last evaluated: 2025-01-22. Review status: criteria provided, single submitter. Criteria: ACMG Guidelines, 2015. Collection method: clinical testing. Allele origin: germline. Affected: yes.
Comment: The variant is not observed in the gnomAD v4.1.0 dataset. Predicted Consequence/Location: Missense variant In silico tool predictions suggest damaging effect of the variant on gene or gene product [3Cnet: 0.86 (>=0.6, sensitivity 0.72 and precision 0.9)]. Therefore, this variant is classified as VUS according to the recommendation of ACMG/AMP guideline.

NM_003470.3(USP7):c.938G>A (p.Gly313Asp)

Gene: USP7 (ubiquitin specific peptidase 7; minus strand). Cytogenetic location: 16p13.2.
Variant type: single nucleotide variant.
Coding change: c.938G>A on transcript NM_003470.3 (MANE Select); coding-DNA position 938, G replaced by A.
Protein change: p.Gly313Asp; replaces glycine 313 with aspartic acid.
Molecular consequence: missense variant. On other transcripts: non-coding transcript variant (1).
Genome position (GRCh38, 1-based): chr16:8,915,494, C>T on the plus strand (G>A on the coding strand, the complement: USP7 is on the minus strand). VCF-style: chr16-8915494-C-T. GRCh37 (hg19) VCF-style: chr16-9009351-C-T.
Other names: c.890G>A, p.Gly297Asp (NM_001286457.2); c.641G>A, p.Gly214Asp (NM_001286458.2); c.764G>A, p.Gly255Asp (NM_001321858.2); short protein forms G214D, G255D, G297D, G313D.
Identifiers: ClinVar variation 4292245 (VCV004292245.1).